The following is an entry in ClinVar:

ClinVar aggregate classification (germline): Pathogenic. Review status: criteria provided, single submitter (1 of 4 stars). 2 submissions from 2 submitters: Pathogenic (1). 1 of the submissions does not count toward it. Last evaluated 2020-06-10.

Conditions:
Autosomal recessive nonsyndromic hearing loss 2. Also called: DEAFNESS, AUTOSOMAL RECESSIVE 2; NEUROSENSORY NONSYNDROMIC RECESSIVE DEAFNESS 2. Identifiers: Orphanet 90636, MedGen C1838701, MONDO:0010807, OMIM 600060.
Usher syndrome type 1 (USH1). Also called: RETINITIS PIGMENTOSA AND CONGENITAL DEAFNESS. Identifiers: Orphanet 231169, Orphanet 886, MedGen C1568247, MONDO:0010168, OMIM 276900.

Submissions (2):

Labcorp Genetics (formerly Invitae), Labcorp
Classification: Pathogenic. Last evaluated: 2020-06-10. Review status: criteria provided, single submitter. Criteria: Invitae Variant Classification Sherloc (09022015). Collection method: clinical testing. Allele origin: germline.
Comment: This sequence change creates a premature translational stop signal (p.Leu1878*) in the MYO7A gene. It is expected to result in an absent or disrupted protein product. This variant is not present in population databases (ExAC no frequency). This variant has been observed in individual(s) with clinical features of Usher syndrome (PMID: 16679490, 21436283). ClinVar contains an entry for this variant (Variation ID: 556569). Loss-of-function variants in MYO7A are known to be pathogenic (PMID: 8900236, 25404053). For these reasons, this variant has been classified as Pathogenic.

Counsyl
Classification: Pathogenic for Usher syndrome type 1; Autosomal recessive nonsyndromic hearing loss 2. Last evaluated: 2018-02-13. Review status: no assertion criteria provided. Collection method: clinical testing. Allele origin: unknown. Not counted in ClinVar's aggregate classification.

Literature cited by the submitters: PubMed 16679490 (cited by Labcorp Genetics (formerly Invitae), Labcorp and Counsyl); PubMed 21436283 (cited by Labcorp Genetics (formerly Invitae), Labcorp and Counsyl); PubMed 8900236 (cited by Labcorp Genetics (formerly Invitae), Labcorp); PubMed 25404053 (cited by Labcorp Genetics (formerly Invitae), Labcorp).

NM_000260.4(MYO7A):c.5632del (p.Ala1877_Leu1878insTer)

Gene: MYO7A (myosin VIIA; plus strand). Cytogenetic location: 11q13.5.
Variant type: Deletion.
Coding change: c.5632del on transcript NM_000260.4 (MANE Select); coding-DNA position 5632, one base deleted (C; older notation c.5632delC).
Protein change: p.Ala1877_Leu1878insTer.
Molecular consequence: nonsense.
Genome position (GRCh38, 1-based): chr11:77,205,613, C deleted; the last of 3 consecutive C bases (chr11:77,205,611-77,205,613); deleting any one gives the same sequence. VCF-style (leftmost placement, unchanged base first): chr11-77205610-GC-G. GRCh37 (hg19) VCF-style: chr11-76916655-GC-G.
Other names: c.5518del, p.Ala1839_Leu1840insTer (NM_001127180.2); c.5485del, p.Ala1828_Leu1829insTer (NM_001369365.1).
Identifiers: ClinVar variation 556569 (VCV000556569.10), dbSNP rs1299898646, ClinGen allele CA600710838.